The following is an entry in ClinVar:

NM_024642.5(GALNT12):c.1599G>A (p.Leu533=)

Gene: GALNT12 (polypeptide N-acetylgalactosaminyltransferase 12; plus strand). Cytogenetic location: 9q22.33.
Variant type: single nucleotide variant.
Coding change: c.1599G>A on transcript NM_024642.5 (MANE Select); coding-DNA position 1599, G replaced by A.
Protein change: p.Leu533=; no amino-acid change (leucine 533 retained).
Molecular consequence: synonymous variant.
Genome position (GRCh38, 1-based): chr9:98,846,117, G>A. VCF-style: chr9-98846117-G-A. GRCh37 (hg19) VCF-style: chr9-101608399-G-A.
Identifiers: ClinVar variation 485681 (VCV000485681.7), dbSNP rs572700544, ClinGen allele CA196832667.

ClinVar aggregate classification (germline): Benign/Likely benign. Review status: criteria provided, multiple submitters, no conflicts (2 of 4 stars). 3 submissions from 3 submitters: Benign (1); Likely benign (2). Last evaluated 2026-04-27.

Conditions:
Colorectal cancer, susceptibility to, 1. Also called: COLORECTAL ADENOMA AND CANCER, SUSCEPTIBILITY TO; COLORECTAL CANCER, SUSCEPTIBILITY TO, ON CHROMOSOME 9. Identifiers: MedGen C1837315, MONDO:0012132, OMIM 608812.

Allele frequency attached by ClinVar (database versions not stated): gnomAD exomes below 0.00001 and 0.00001; gnomAD 0.00001; 1000 Genomes Project 0.00040; TOPMed 0.00001; 1000 Genomes Project 30x 0.00031.
gnomAD v4.1: 2 of 1,614,160 alleles (0.00012%); highest among the groups gnomAD compares: East Asian, 0.0022%; no homozygotes.

Submissions (3):

Myriad Genetics, Inc.
Classification: Benign for Colorectal cancer, susceptibility to, 1. Last evaluated: 2026-04-27. Review status: criteria provided, single submitter. Criteria: Myriad Autosomal Dominant, Autosomal Recessive and X-Linked Classification Criteria (2023). Collection method: clinical testing. Allele origin: unknown.
Comment: This variant is considered benign. This variant is a silent/synonymous amino acid change and it is not expected to impact splicing.

Quest Diagnostics Nichols Institute San Juan Capistrano
Classification: Likely benign. Last evaluated: 2022-11-18. Review status: criteria provided, single submitter. Criteria: Quest Diagnostics criteria. Collection method: clinical testing. Allele origin: unknown.

Ambry Genetics
Classification: Likely benign. Last evaluated: 2017-06-01. Review status: criteria provided, single submitter. Criteria: Ambry Variant Classification Scheme 2023. Collection method: clinical testing. Allele origin: germline.